The following is an entry in ClinVar:

ClinVar aggregate classification (germline): Uncertain significance (1 of 4 stars; one submission).

Submission:

GeneDx
Classification: Uncertain significance. Last evaluated: 2022-03-07. Review status: criteria provided, single submitter. Criteria: GeneDx Variant Classification Process June 2021. Collection method: clinical testing. Allele origin: germline. Affected: yes.
Comment: Not observed at significant frequency in large population cohorts (gnomAD); In silico analysis supports that this missense variant does not alter protein structure/function; Has not been previously published as pathogenic or benign to our knowledge

NM_014704.4(CEP104):c.926T>G (p.Leu309Arg)

Gene: CEP104 (centrosomal protein 104; minus strand). Cytogenetic location: 1p36.32.
Variant type: single nucleotide variant.
Coding change: c.926T>G on transcript NM_014704.4 (MANE Select); coding-DNA position 926, T replaced by G.
Protein change: p.Leu309Arg; replaces leucine 309 with arginine.
Molecular consequence: missense variant.
Genome position (GRCh38, 1-based): chr1:3,837,485, A>C on the plus strand (T>G on the coding strand, the complement: CEP104 is on the minus strand). VCF-style: chr1-3837485-A-C. GRCh37 (hg19) VCF-style: chr1-3754049-A-C.
Other names: short protein forms L309R.
Identifiers: ClinVar variation 1705008 (VCV001705008.2), dbSNP rs1644337654, ClinGen allele CA338042453.
Genomic context (GRCh38, chr1:3,837,485, plus strand): 5'-TCTTCCAGTTGTGGTAGTGAGGGCATTGGCTTTTGGTGGCAAGGACTGCCAGAACGAGCG[A>C]GGGGCTGGAGGGGCAAATCAAAAGGTCTTCGCATCTAGAGAACAAAAAGGAACATTTAAT-3'
Protein context (NP_055519.1, residues 299-319): RRPFDLPLQP[Leu309Arg]ARSGSPCHQK